The following is an entry in ClinVar:

NM_007294.4(BRCA1):c.3880_3883del (p.Ser1294fs)

Genes: BRCA1 (BRCA1 DNA repair associated; minus strand), LOC126862571 (BRD4-independent group 4 enhancer GRCh37_chr17:41243136-41244335; plus strand). Cytogenetic location: 17q21.31.
Variant type: Deletion.
Coding change: c.3880_3883del on transcript NM_007294.4 (MANE Select); coding-DNA positions 3880 to 3883, 4 bases deleted (AGCT; older notation c.3880_3883delAGCT).
Protein change: p.Ser1294fs; shifts the reading frame from serine 1294.
Molecular consequence: frameshift variant. On other transcripts: intron variant (135).
Genome position (GRCh38, 1-based): chr17:43,091,648-43,091,651, AGCT deleted on the plus strand (AGCT on the coding strand, the reverse complement: BRCA1 is on the minus strand); deleting any 4 consecutive bases within chr17:43,091,648-43,091,654 gives the same sequence; the c. name uses the placement nearest the transcript's 3' end. VCF-style (leftmost placement, unchanged base first): chr17-43091647-AAGCT-A. GRCh37 (hg19) VCF-style: chr17-41243664-AAGCT-A.
Other names: c.3739_3742del, p.Ser1247fs (NM_001407728.1, NM_001407729.1, NM_001407730.1 and 29 more transcripts); c.3736_3739del, p.Ser1246fs (NM_001407740.1, NM_001407741.1, NM_001407742.1 and 20 more transcripts); c.3667_3670del, p.Ser1223fs (NM_001407853.1, NM_001407894.1, NM_001407895.1 and 9 more transcripts); c.3880_3883del, p.Ser1294fs (NM_001407854.1, NM_001407858.1, NM_001407859.1 and 30 more transcripts); c.3877_3880del, p.Ser1293fs (NM_001407860.1, NM_001407861.1, NM_001407587.1 and 22 more transcripts); c.3679_3682del, p.Ser1227fs (NM_001407862.1); c.3757_3760del, p.Ser1253fs (NM_001407863.1, NM_001407919.1, NM_001407937.1 and 19 more transcripts); c.3676_3679del, p.Ser1226fs (NM_001407874.1, NM_001407875.1); and 42 more; short protein forms S1247fs, S1294fs, S1183fs, S1223fs, S1246fs, S1267fs, S1126fs, S1205fs.
Identifiers: ClinVar variation 55037 (VCV000055037.2), dbSNP rs397509116, ClinGen allele CA002502.

ClinVar aggregate classification (germline): Pathogenic. Review status: reviewed by expert panel (3 of 4 stars). 2 submissions from 2 submitters: Pathogenic (1). 1 of the submissions does not count toward it. Last evaluated 2017-12-15.

Conditions:
Familial cancer of breast. Also called: hereditary breast carcinoma; BREAST CANCER, FAMILIAL; Hereditary breast cancer. Identifiers: Orphanet 227535, MedGen C0346153, MONDO:0016419, OMIM 114480. Disease mechanism: loss of function.
Breast-ovarian cancer, familial, susceptibility to, 1 (BROVCA1). Also called: BRCA1 Hereditary Breast and Ovarian Cancer; OVARIAN CANCER, SUSCEPTIBILITY TO. Identifiers: Orphanet 145, MedGen C2676676, MONDO:0011450, OMIM 604370. Disease mechanism: loss of function.

Submissions (2):

Evidence-based Network for the Interpretation of Germline Mutant Alleles (ENIGMA)
Classification: Pathogenic for Breast-ovarian cancer, familial, susceptibility to, 1. Last evaluated: 2017-12-15. Review status: reviewed by expert panel. Criteria: ENIGMA BRCA1/2 Classification Criteria (2017-06-29). Collection method: curation. Allele origin: germline. Study: ENIGMA.
Comment: Variant allele predicted to encode a truncated non-functional protein.

ClinVar Staff, National Center for Biotechnology Information (NCBI)
No classification provided. Condition: Familial cancer of breast. Review status: no classification provided. Collection method: literature only. Allele origin: germline. Affected: yes. Not counted in ClinVar's aggregate classification.

Literature cited by the submitters: PubMed 9667259 (cited by ClinVar Staff, National Center for Biotechnology Information (NCBI)).